The following is an entry in ClinVar:

ClinVar aggregate classification (germline): Uncertain significance (1 of 4 stars; one submission).

Allele frequency attached by ClinVar (database versions not stated): gnomAD exomes below 0.00001.
gnomAD v4.1: 6 of 1,613,962 alleles (0.00037%); highest among the groups gnomAD compares: Non-Finnish European, 0.00051%; no homozygotes.

Submission:

Labcorp Genetics (formerly Invitae), Labcorp
Classification: Uncertain significance. Last evaluated: 2021-11-14. Review status: criteria provided, single submitter. Criteria: Invitae Variant Classification Sherloc (09022015). Collection method: clinical testing. Allele origin: germline.
Comment: In summary, the available evidence is currently insufficient to determine the role of this variant in disease. Therefore, it has been classified as a Variant of Uncertain Significance. Algorithms developed to predict the effect of missense changes on protein structure and function are either unavailable or do not agree on the potential impact of this missense change (SIFT: "Tolerated"; PolyPhen-2: "Possibly Damaging"; Align-GVGD: "Class C0"). This variant has not been reported in the literature in individuals affected with ATF6-related conditions. This variant is not present in population databases (gnomAD no frequency). This sequence change replaces lysine, which is basic and polar, with glutamic acid, which is acidic and polar, at codon 169 of the ATF6 protein (p.Lys169Glu).

NM_007348.4(ATF6):c.505A>G (p.Lys169Glu)

Gene: ATF6 (activating transcription factor 6; plus strand). Cytogenetic location: 1q23.3.
Variant type: single nucleotide variant.
Coding change: c.505A>G on transcript NM_007348.4 (MANE Select); coding-DNA position 505, A replaced by G.
Protein change: p.Lys169Glu; replaces lysine 169 with glutamic acid.
Molecular consequence: missense variant.
Genome position (GRCh38, 1-based): chr1:161,792,144, A>G. VCF-style: chr1-161792144-A-G. GRCh37 (hg19) VCF-style: chr1-161761934-A-G.
Other names: short protein forms K169E.
Identifiers: ClinVar variation 1393324 (VCV001393324.6), dbSNP rs2101742442, ClinGen allele CA343386364.